The following is an entry in ClinVar:

ClinVar aggregate classification (germline): Benign. Review status: criteria provided, multiple submitters, no conflicts (2 of 4 stars). 2 submissions from 2 submitters: Benign (2). Last evaluated 2018-01-13.

Conditions:
Cutis laxa with osteodystrophy (ARCL2A). Also called: Debré-Type Cutis Laxa; CUTIS LAXA WITH CONGENITAL DISORDER OF GLYCOSYLATION; CUTIS LAXA, AUTOSOMAL RECESSIVE, TYPE IIA; CUTIS LAXA WITH BONE DYSTROPHY; CUTIS LAXA WITH GROWTH AND DEVELOPMENTAL DELAY; CUTIS LAXA WITH JOINT LAXITY AND RETARDED DEVELOPMENT. Identifiers: Orphanet 357058, MedGen C0268355, MONDO:0018163, OMIM 219200. Disease mechanism: loss of function.

Allele frequency attached by ClinVar (database versions not stated): gnomAD 0.09739 and 0.09338; TOPMed 0.10397; 1000 Genomes Project 0.10783; 1000 Genomes Project 30x 0.11430.

Submissions (2):

Illumina Laboratory Services, Illumina
Classification: Benign for Cutis laxa with osteodystrophy. Last evaluated: 2018-01-13. Review status: criteria provided, single submitter. Criteria: ICSL Variant Classification Criteria 13 December 2019. Collection method: clinical testing. Allele origin: germline.
Comment: This variant was observed in the ICSL laboratory as part of a predisposition screen in an ostensibly healthy population. It had not been previously curated by ICSL or reported in the Human Gene Mutation Database (HGMD: prior to June 1st, 2018), and was therefore a candidate for classification through an automated scoring system. Utilizing variant allele frequency, disease prevalence and penetrance estimates, and inheritance mode, an automated score was calculated to assess if this variant is too frequent to cause the disease. Based on the score and internal cut-off values, a variant classified as benign is not then subjected to further curation. The score for this variant resulted in a classification of benign for this disease.

Breakthrough Genomics
Classification: Benign. Review status: criteria provided, single submitter. Criteria: ACMG Guidelines, 2015. Collection method: not provided. Allele origin: germline. Inheritance: Autosomal recessive inheritance. Affected: yes.

NM_012463.4(ATP6V0A2):c.*3553G>A

Gene: ATP6V0A2 (ATPase H+ transporting V0 subunit a2; plus strand). Cytogenetic location: 12q24.31.
Variant type: single nucleotide variant.
Coding change: c.*3553G>A on transcript NM_012463.4 (MANE Select); 3553 bases downstream of the stop codon, G replaced by A.
Molecular consequence: 3 prime UTR variant.
Genome position (GRCh38, 1-based): chr12:123,761,585, G>A. VCF-style: chr12-123761585-G-A. GRCh37 (hg19) VCF-style: chr12-124246132-G-A.
Identifiers: ClinVar variation 307644 (VCV000307644.6), dbSNP rs73420351, ClinGen allele CA10632218.
Genomic context (GRCh38, chr12:123,761,585, plus strand): 5'-TCAGAAATACTTAGTACACTCCACCTGTTCTTTGATGGGAATATCTAAGAAGGCTAGGTA[G>A]GTTCTTAGGGTTAGCCTGAGTCATCTAGGGGCTCAACTCCTTGTGAGGGGAAATGACAGT-3'